The following is an entry in ClinVar:

NM_032608.7(MYO18B):c.2915A>G (p.His972Arg)

Gene: MYO18B (myosin XVIIIB; plus strand). Cytogenetic location: 22q12.1.
Variant type: single nucleotide variant.
Coding change: c.2915A>G on transcript NM_032608.7 (MANE Select); coding-DNA position 2915, A replaced by G.
Protein change: p.His972Arg; replaces histidine 972 with arginine.
Molecular consequence: missense variant.
Genome position (GRCh38, 1-based): chr22:25,828,904, A>G. VCF-style: chr22-25828904-A-G. GRCh37 (hg19) VCF-style: chr22-26224871-A-G.
Other names: c.2915A>G, p.His972Arg (NM_001318245.2); short protein forms H972R.
Identifiers: ClinVar variation 1486566 (VCV001486566.6), dbSNP rs983242543, ClinGen allele CA322792202.

ClinVar aggregate classification (germline): Uncertain significance (1 of 4 stars; one submission).

Allele frequency attached by ClinVar (database versions not stated): TOPMed below 0.00001.

Submission:

Labcorp Genetics (formerly Invitae), Labcorp
Classification: Uncertain significance. Last evaluated: 2021-03-10. Review status: criteria provided, single submitter. Criteria: Invitae Variant Classification Sherloc (09022015). Collection method: clinical testing. Allele origin: germline.
Comment: Algorithms developed to predict the effect of missense changes on protein structure and function are either unavailable or do not agree on the potential impact of this missense change (SIFT: "Not Available"; PolyPhen-2: "Benign"; Align-GVGD: "Not Available"). This variant has not been reported in the literature in individuals with MYO18B-related conditions. This variant is not present in population databases (ExAC no frequency). This sequence change replaces histidine with arginine at codon 972 of the MYO18B protein (p.His972Arg). The histidine residue is weakly conserved and there is a small physicochemical difference between histidine and arginine. In summary, the available evidence is currently insufficient to determine the role of this variant in disease. Therefore, it has been classified as a Variant of Uncertain Significance.